The following is an entry in ClinVar:

NM_014283.5(SUCO):c.3265+3A>G

Gene: SUCO (SUN domain containing ossification factor; plus strand). Cytogenetic location: 1q24.3.
Variant type: single nucleotide variant.
Coding change: c.3265+3A>G on transcript NM_014283.5 (MANE Select); 3 bases into the intron after coding-DNA position 3265, A replaced by G.
Molecular consequence: intron variant.
Genome position (GRCh38, 1-based): chr1:172,602,790, A>G. VCF-style: chr1-172602790-A-G. GRCh37 (hg19) VCF-style: chr1-172571930-A-G.
Other names: c.3718+3A>G (NM_016227.4); c.1576+3A>G (NM_001282751.2); c.2152+3A>G (NM_001282750.2).
Identifiers: ClinVar variation 4729258 (VCV004729258.1).

ClinVar aggregate classification (germline): Uncertain significance (1 of 4 stars; one submission).

Submission:

Labcorp Genetics (formerly Invitae), Labcorp
Classification: Uncertain significance. Last evaluated: 2025-12-04. Review status: criteria provided, single submitter. Criteria: Invitae Variant Classification Sherloc (09022015). Collection method: clinical testing. Allele origin: germline.
Comment: This sequence change falls in intron 22 of the SUCO gene. It does not directly change the encoded amino acid sequence of the SUCO protein. It affects a nucleotide within the consensus splice site. This variant is not present in population databases (gnomAD no frequency). This variant has not been reported in the literature in individuals affected with SUCO-related conditions. Variants that disrupt the consensus splice site are a relatively common cause of aberrant splicing (PMID: 17576681, 9536098). Algorithms developed to predict the effect of sequence changes on RNA splicing suggest that this variant may disrupt the consensus splice site. In summary, the available evidence is currently insufficient to determine the role of this variant in disease. Therefore, it has been classified as a Variant of Uncertain Significance.

Literature cited by the submitters: PubMed 17576681; PubMed 9536098.